The following is an entry in ClinVar:

ClinVar aggregate classification (germline): Uncertain significance (1 of 4 stars; one submission).

Conditions:
Duchenne muscular dystrophy (DMD). Also called: Duchenne Muscular Dystrophy (DMD); MUSCULAR DYSTROPHY, PSEUDOHYPERTROPHIC PROGRESSIVE, DUCHENNE TYPE. Identifiers: Orphanet 98896, MedGen C0013264, MONDO:0010679, OMIM 310200.

Submission:

Labcorp Genetics (formerly Invitae), Labcorp
Classification: Uncertain significance for Duchenne muscular dystrophy. Last evaluated: 2025-10-22. Review status: criteria provided, single submitter. Criteria: Invitae Variant Classification Sherloc (09022015). Collection method: clinical testing. Allele origin: germline.
Comment: This sequence change replaces serine, which is neutral and polar, with asparagine, which is neutral and polar, at codon 3490 of the DMD protein (p.Ser3490Asn). This variant is not present in population databases (gnomAD no frequency). This variant has not been reported in the literature in individuals affected with DMD-related conditions. Invitae Evidence Modeling of protein sequence and biophysical properties (such as structural, functional, and spatial information, amino acid conservation, physicochemical variation, residue mobility, and thermodynamic stability) indicates that this missense variant is not expected to disrupt DMD protein function with a negative predictive value of 95%. In summary, the available evidence is currently insufficient to determine the role of this variant in disease. Therefore, it has been classified as a Variant of Uncertain Significance.

NM_004006.3(DMD):c.10469G>A (p.Ser3490Asn)

Gene: DMD (dystrophin; minus strand). Cytogenetic location: Xp21.2.
Variant type: single nucleotide variant.
Coding change: c.10469G>A on transcript NM_004006.3 (MANE Select); coding-DNA position 10469, G replaced by A.
Protein change: p.Ser3490Asn; replaces serine 3490 with asparagine.
Molecular consequence: missense variant. On other transcripts: intron variant (2).
Genome position (GRCh38, 1-based): chrX:31,169,527, C>T on the plus strand (G>A on the coding strand, the complement: DMD is on the minus strand). VCF-style: chrX-31169527-C-T. GRCh37 (hg19) VCF-style: chrX-31187644-C-T.
Other names: c.10445G>A, p.Ser3482Asn (NM_000109.4); c.10457G>A, p.Ser3486Asn (NM_004009.3); c.10100G>A, p.Ser3367Asn (NM_004010.3); c.6446G>A, p.Ser2149Asn (NM_004011.4); c.6437G>A, p.Ser2146Asn (NM_004012.4); c.3089G>A, p.Ser1030Asn (NM_004013.3, NM_004021.3); c.2282G>A, p.Ser761Asn (NM_004014.3); c.1265G>A, p.Ser422Asn (NM_004015.3, NM_004016.3); and 3 more; short protein forms S1017N, S1030N, S2146N, S2149N, S3367N, S3482N, S3486N, S3490N.
Identifiers: ClinVar variation 4800935 (VCV004800935.1).